The following is an entry in ClinVar:

ClinVar aggregate classification (germline): Uncertain significance (1 of 4 stars; one submission).

Allele frequency attached by ClinVar (database versions not stated): gnomAD exomes below 0.00001 and 0.00002; TOPMed 0.00001; gnomAD 0.00002; ExAC 0.00003.
gnomAD v4.1: 7 of 1,611,208 alleles (0.00043%); highest among the groups gnomAD compares: East Asian, 0.013%; no homozygotes.

Submission:

Labcorp Genetics (formerly Invitae), Labcorp
Classification: Uncertain significance. Last evaluated: 2023-10-13. Review status: criteria provided, single submitter. Criteria: Invitae Variant Classification Sherloc (09022015). Collection method: clinical testing. Allele origin: germline.
Comment: This sequence change replaces glutamine, which is neutral and polar, with glutamic acid, which is acidic and polar, at codon 55 of the CEP19 protein (p.Gln55Glu). This variant is present in population databases (rs752995208, gnomAD 0.03%). This variant has not been reported in the literature in individuals affected with CEP19-related conditions. ClinVar contains an entry for this variant (Variation ID: 1472840). An algorithm developed to predict the effect of missense changes on protein structure and function (PolyPhen-2) suggests that this variant is likely to be tolerated. In summary, the available evidence is currently insufficient to determine the role of this variant in disease. Therefore, it has been classified as a Variant of Uncertain Significance.

NM_032898.5(CEP19):c.151C>G (p.Gln51Glu)

Gene: CEP19 (centrosomal protein 19; minus strand). Cytogenetic location: 3q29.
Variant type: single nucleotide variant.
Coding change: c.151C>G on transcript NM_032898.5 (MANE Select); coding-DNA position 151, C replaced by G.
Protein change: p.Gln51Glu; replaces glutamine 51 with glutamic acid.
Molecular consequence: missense variant.
Genome position (GRCh38, 1-based): chr3:196,707,892, G>C on the plus strand (C>G on the coding strand, the complement: CEP19 is on the minus strand). VCF-style: chr3-196707892-G-C. GRCh37 (hg19) VCF-style: chr3-196434763-G-C.
Other names: c.46C>G, p.Gln16Glu (NM_001379468.1); c.151C>G, p.Gln51Glu (NM_001379469.1, NM_001379470.1); short protein forms Q51E, Q16E.
Identifiers: ClinVar variation 1472840 (VCV001472840.8), dbSNP rs752995208, ClinGen allele CA2782136.